The following is an entry in ClinVar:

ClinVar aggregate classification (germline): Uncertain significance (1 of 4 stars; one submission).

Submission:

GeneDx
Classification: Uncertain significance. Last evaluated: 2023-12-27. Review status: criteria provided, single submitter. Criteria: GeneDx Variant Classification Process June 2021. Collection method: clinical testing. Allele origin: germline. Affected: yes.
Comment: Not observed at significant frequency in large population cohorts (gnomAD); In silico analysis supports that this missense variant does not alter protein structure/function; Has not been previously published as pathogenic or benign to our knowledge

NM_002968.3(SALL1):c.916C>G (p.Gln306Glu)

Gene: SALL1 (spalt like transcription factor 1; minus strand). Cytogenetic location: 16q12.1.
Variant type: single nucleotide variant.
Coding change: c.916C>G on transcript NM_002968.3 (MANE Select); coding-DNA position 916, C replaced by G.
Protein change: p.Gln306Glu; replaces glutamine 306 with glutamic acid.
Molecular consequence: missense variant.
Genome position (GRCh38, 1-based): chr16:51,141,306, G>C on the plus strand (C>G on the coding strand, the complement: SALL1 is on the minus strand). VCF-style: chr16-51141306-G-C. GRCh37 (hg19) VCF-style: chr16-51175217-G-C.
Other names: c.625C>G, p.Gln209Glu (NM_001127892.2); short protein forms Q209E, Q306E.
Identifiers: ClinVar variation 3370102 (VCV003370102.1).